The following is an entry in ClinVar:

ClinVar aggregate classification (germline): Uncertain significance (1 of 4 stars; one submission).

Submission:

GeneDx
Classification: Uncertain significance. Last evaluated: 2023-01-23. Review status: criteria provided, single submitter. Criteria: GeneDx Variant Classification Process June 2021. Collection method: clinical testing. Allele origin: germline. Affected: yes.
Comment: Not observed at significant frequency in large population cohorts (gnomAD); In silico analysis supports that this missense variant does not alter protein structure/function; Has not been previously published as pathogenic or benign to our knowledge

NM_015057.5(MYCBP2):c.1896A>G (p.Ile632Met)

Gene: MYCBP2 (MYC binding protein 2; minus strand). Cytogenetic location: 13q22.3.
Variant type: single nucleotide variant.
Coding change: c.1896A>G on transcript NM_015057.5 (MANE Select); coding-DNA position 1896, A replaced by G.
Protein change: p.Ile632Met; replaces isoleucine 632 with methionine.
Molecular consequence: missense variant.
Genome position (GRCh38, 1-based): chr13:77,260,549, T>C on the plus strand (A>G on the coding strand, the complement: MYCBP2 is on the minus strand). VCF-style: chr13-77260549-T-C. GRCh37 (hg19) VCF-style: chr13-77834684-T-C.
Other names: short protein forms I632M.
Identifiers: ClinVar variation 2573791 (VCV002573791.1), dbSNP rs1398599606, ClinGen allele CA388409417.